The following is an entry in ClinVar:

ClinVar aggregate classification (germline): Uncertain significance (1 of 4 stars; one submission).

Submission:

GeneDx
Classification: Uncertain significance. Last evaluated: 2024-04-30. Review status: criteria provided, single submitter. Criteria: GeneDx Variant Classification Process June 2021. Collection method: clinical testing. Allele origin: germline. Affected: yes.
Comment: Not observed at significant frequency in large population cohorts (gnomAD); In silico analysis indicates that this missense variant does not alter protein structure/function; Has not been previously published as pathogenic or benign to our knowledge

NM_005611.4(RBL2):c.787G>C (p.Ala263Pro)

Gene: RBL2 (RB transcriptional corepressor like 2; plus strand). Cytogenetic location: 16q12.2.
Variant type: single nucleotide variant.
Coding change: c.787G>C on transcript NM_005611.4 (MANE Select); coding-DNA position 787, G replaced by C.
Protein change: p.Ala263Pro; replaces alanine 263 with proline.
Molecular consequence: missense variant.
Genome position (GRCh38, 1-based): chr16:53,453,472, G>C. VCF-style: chr16-53453472-G-C. GRCh37 (hg19) VCF-style: chr16-53487384-G-C.
Other names: c.787G>C, p.Ala263Pro (NM_001323608.2, NM_001323609.2, NM_001323610.2); c.565G>C, p.Ala189Pro (NM_001323611.1); short protein forms A189P, A263P.
Identifiers: ClinVar variation 3373117 (VCV003373117.1).